The following is an entry in ClinVar:

NM_006416.5(SLC35A1):c.-23C>T

Gene: SLC35A1 (solute carrier family 35 member A1; plus strand). Cytogenetic location: 6q15.
Variant type: single nucleotide variant.
Coding change: c.-23C>T on transcript NM_006416.5 (MANE Select); 23 bases upstream of the start codon, C replaced by T.
Molecular consequence: 5 prime UTR variant.
Genome position (GRCh38, 1-based): chr6:87,472,981, C>T. VCF-style: chr6-87472981-C-T. GRCh37 (hg19) VCF-style: chr6-88182699-C-T.
Other names: c.-23C>T (NM_001168398.2).
Identifiers: ClinVar variation 383666 (VCV000383666.2), dbSNP rs752380932, ClinGen allele CA3915858.

ClinVar aggregate classification (germline): Likely benign. Review status: criteria provided, multiple submitters, no conflicts (2 of 4 stars). 2 submissions from 2 submitters: Likely benign (2). Last evaluated 2018-02-19.

Allele frequency attached by ClinVar (database versions not stated): TOPMed 0.00006; gnomAD 0.00010; gnomAD exomes 0.00011.
gnomAD v4.1: 69 of 659,522 alleles (0.01%); highest among the groups gnomAD compares: Middle Eastern, 0.11%; no homozygotes.

Submissions (2):

GeneDx
Classification: Likely benign. Last evaluated: 2018-02-19. Review status: criteria provided, single submitter. Criteria: GeneDx Variant Classification (06012015). Collection method: clinical testing. Allele origin: germline. Affected: yes.
Comment: This variant is considered likely benign or benign based on one or more of the following criteria: it is a conservative change, it occurs at a poorly conserved position in the protein, it is predicted to be benign by multiple in silico algorithms, and/or has population frequency not consistent with disease.

Breakthrough Genomics
Classification: Likely benign. Review status: criteria provided, single submitter. Criteria: ACMG Guidelines, 2015. Collection method: not provided. Allele origin: germline. Inheritance: Autosomal recessive inheritance. Affected: yes.